The following is an entry in ClinVar:

NM_000384.3(APOB):c.10126G>T (p.Ala3376Ser)

Gene: APOB (apolipoprotein B; minus strand). Cytogenetic location: 2p24.1.
Variant type: single nucleotide variant.
Coding change: c.10126G>T on transcript NM_000384.3 (MANE Select); coding-DNA position 10126, G replaced by T.
Protein change: p.Ala3376Ser; replaces alanine 3376 with serine.
Molecular consequence: missense variant.
Genome position (GRCh38, 1-based): chr2:21,006,742, C>A on the plus strand (G>T on the coding strand, the complement: APOB is on the minus strand). VCF-style: chr2-21006742-C-A. GRCh37 (hg19) VCF-style: chr2-21229614-C-A.
Other names: short protein forms A3376S.
Identifiers: ClinVar variation 2619759 (VCV002619759.3), dbSNP rs1412935514, ClinGen allele CA345987433.
Genomic context (GRCh38, chr2:21,006,742, plus strand): 5'-CTAACTTCAATCCCCTTTTTCTTGTCAATCTTGTGGTGCCCTCTAATTTGTACTGCAGTG[C>A]ATCAATGACAGATGAAGATGAAGAAAGGAGATGAGCAACAATATCTGACTGGTTAAAAAG-3'
Protein context (NP_000375.3, residues 3366-3386): LLSSSSSVID[Ala3376Ser]LQYKLEGTTR

ClinVar aggregate classification (germline): Uncertain significance (1 of 4 stars; one submission).

Conditions:
Cardiovascular phenotype. Identifiers: MedGen CN230736.

Submission:

Ambry Genetics
Classification: Uncertain significance for Cardiovascular phenotype. Last evaluated: 2026-09-11. Review status: criteria provided, single submitter. Criteria: Ambry Variant Classification Scheme 2023. Collection method: clinical testing. Allele origin: germline.
Comment: The p.A3376S variant (also known as c.10126G>T), located in coding exon 26 of the APOB gene, results from a G to T substitution at nucleotide position 10126. The alanine at codon 3376 is replaced by serine, an amino acid with similar properties. This amino acid position is conserved. In addition, this alteration is predicted to be tolerated by in silico analysis. Based on the available evidence, the clinical significance of this variant remains unclear.